The following is an entry in ClinVar:

ClinVar aggregate classification (germline): Conflicting classifications of pathogenicity. Review status: criteria provided, conflicting classifications (1 of 4 stars). 3 submissions from 3 submitters: Likely pathogenic (2); Uncertain significance (1). Last evaluated 2025-10-01.

Conditions:
X-linked Alport syndrome (ATS1). Also called: NEPHROPATHY AND DEAFNESS, X-LINKED; COL4A5-Related Nephropathy. Identifiers: Orphanet 63, Orphanet 88917, MedGen C4746986, MONDO:0010520, OMIM 301050.

Submissions (3):

CeGaT Center for Human Genetics Tuebingen
Classification: Likely pathogenic. Last evaluated: 2025-10-01. Review status: criteria provided, single submitter. Criteria: CeGaT Center For Human Genetics Tuebingen Variant Classification Criteria Version 2. Collection method: clinical testing. Allele origin: germline. Affected: yes. Observed: 1 variant allele.
Comment: COL4A5: PM1:Strong, PM2

Labcorp Genetics (formerly Invitae), Labcorp
Classification: Likely pathogenic. Last evaluated: 2024-02-15. Review status: criteria provided, single submitter. Criteria: Invitae Variant Classification Sherloc (09022015). Collection method: clinical testing. Allele origin: germline.
Comment: This sequence change replaces glycine, which is neutral and non-polar, with serine, which is neutral and polar, at codon 917 of the COL4A5 protein (p.Gly917Ser). This variant is not present in population databases (gnomAD no frequency). This variant has not been reported in the literature in individuals affected with COL4A5-related conditions. Advanced modeling of protein sequence and biophysical properties (such as structural, functional, and spatial information, amino acid conservation, physicochemical variation, residue mobility, and thermodynamic stability) performed at Invitae indicates that this missense variant is expected to disrupt COL4A5 protein function with a positive predictive value of 95%. This variant disrupts the triple helix domain of COL4A5. Glycine residues within the Gly-Xaa-Yaa repeats of the triple helix domain are required for the structure and stability of fibrillar collagens (PMID: 7695699, 8218237, 19344236). In COL4A5, missense variants at these glycine residues are significantly enriched in individuals with disease (PMID: 23720012, 27627812) compared to the general population (ExAC). In summary, the currently available evidence indicates that the variant is pathogenic, but additional data are needed to prove that conclusively. Therefore, this variant has been classified as Likely Pathogenic.

Department of Nephrology, Rheumatology and Immunology, Shanghai Children's Hospital
Classification: Uncertain significance for X-linked Alport syndrome. Last evaluated: 2021-04-01. Review status: criteria provided, single submitter. Criteria: ACMG Guidelines, 2015. Collection method: clinical testing. Allele origin: maternal. Affected: yes. Observed: 1 variant allele.
Comment: The NM_000495.5(COL4A5):c.2749G>A (p.Gly917Ser) is a missense variant located in a Gly-X-Y repeat of the collagenous domain of COL4A5. This variant is reported to have an extremely low frequency in the gnomAD v3.1.2 (GRCh38) population database (PM2). Multiple computational tools, including SIFT and PolyPhen, predict this variant to have a deleterious effect on the protein product (PP3). In summary, this variant meets criteria to be classified as Uncertain Significance for Alport syndrome based on the ACMG/AMP 2015 criteria applied: PM2, PP1, PP3, PP4.

Literature cited by the submitters: PubMed 7695699 (cited by Labcorp Genetics (formerly Invitae), Labcorp); PubMed 8218237 (cited by Labcorp Genetics (formerly Invitae), Labcorp); PubMed 19344236 (cited by Labcorp Genetics (formerly Invitae), Labcorp); PubMed 23720012 (cited by Labcorp Genetics (formerly Invitae), Labcorp); PubMed 27627812 (cited by Labcorp Genetics (formerly Invitae), Labcorp).

NM_033380.3(COL4A5):c.2749G>A (p.Gly917Ser)

Gene: COL4A5 (collagen type IV alpha 5 chain; plus strand). Cytogenetic location: Xq22.3.
Variant type: single nucleotide variant.
Coding change: c.2749G>A on transcript NM_033380.3 (MANE Select); coding-DNA position 2749, G replaced by A.
Protein change: p.Gly917Ser; replaces glycine 917 with serine.
Molecular consequence: missense variant.
Genome position (GRCh38, 1-based): chrX:108,621,874, G>A. VCF-style: chrX-108621874-G-A. GRCh37 (hg19) VCF-style: chrX-107865104-G-A.
Other names: c.2749G>A, p.Gly917Ser (NM_000495.5); short protein forms G917S.
Identifiers: ClinVar variation 2843902 (VCV002843902.10), dbSNP rs2524404029, ClinGen allele CA413852219.